The following is an entry in ClinVar:

NM_017950.4(CCDC40):c.2185C>T (p.Leu729Phe)

Gene: CCDC40 (coiled-coil domain 40 molecular ruler complex subunit; plus strand). Cytogenetic location: 17q25.3.
Variant type: single nucleotide variant.
Coding change: c.2185C>T on transcript NM_017950.4 (MANE Select); coding-DNA position 2185, C replaced by T.
Protein change: p.Leu729Phe; replaces leucine 729 with phenylalanine.
Molecular consequence: missense variant.
Genome position (GRCh38, 1-based): chr17:80,084,938, C>T. VCF-style: chr17-80084938-C-T. GRCh37 (hg19) VCF-style: chr17-78058737-C-T.
Other names: c.2185C>T, p.Leu729Phe (NM_001243342.2); short protein forms L729F.
Identifiers: ClinVar variation 2061571 (VCV002061571.4), dbSNP rs2038546542, ClinGen allele CA401343930.
Genomic context (GRCh38, chr17:80,084,938, plus strand): 5'-ATCACCAACAGCCAGAGCGAGATCTCCCGGCGCACGATCCTGATCGAGAGGAAGCAAGGG[C>T]TCATCAACTTCCTCAACAAGCAGCTGGAGCGGATGGTCTCCGAGCTGGGGGTGAGGTCCC-3'
Protein context (NP_060420.2, residues 719-739): RTILIERKQG[Leu729Phe]INFLNKQLER

ClinVar aggregate classification (germline): Uncertain significance (1 of 4 stars; one submission).

Conditions:
Primary ciliary dyskinesia. Also called: Ciliary dyskinesia. Identifiers: Orphanet 244, MedGen C0008780, MONDO:0016575, HP:0012265.

Allele frequency attached by ClinVar (database versions not stated): TOPMed below 0.00001; gnomAD 0.00001; gnomAD exomes 0.00001.
gnomAD v4.1: 4 of 1,613,968 alleles (0.00025%); highest among the groups gnomAD compares: Non-Finnish European, 0.00017%; no homozygotes.

Submission:

Labcorp Genetics (formerly Invitae), Labcorp
Classification: Uncertain significance for Primary ciliary dyskinesia. Last evaluated: 2023-08-04. Review status: criteria provided, single submitter. Criteria: Invitae Variant Classification Sherloc (09022015). Collection method: clinical testing. Allele origin: germline.
Comment: This sequence change replaces leucine, which is neutral and non-polar, with phenylalanine, which is neutral and non-polar, at codon 729 of the CCDC40 protein (p.Leu729Phe). This variant is not present in population databases (gnomAD no frequency). This variant has not been reported in the literature in individuals affected with CCDC40-related conditions. ClinVar contains an entry for this variant (Variation ID: 2061571). Advanced modeling of protein sequence and biophysical properties (such as structural, functional, and spatial information, amino acid conservation, physicochemical variation, residue mobility, and thermodynamic stability) performed at Invitae indicates that this missense variant is not expected to disrupt CCDC40 protein function. In summary, the available evidence is currently insufficient to determine the role of this variant in disease. Therefore, it has been classified as a Variant of Uncertain Significance.